The following is an entry in ClinVar:

ClinVar aggregate classification (germline): Uncertain significance. Review status: criteria provided, multiple submitters, no conflicts (2 of 4 stars). 2 submissions from 2 submitters: Uncertain significance (2). Last evaluated 2024-05-28.

Conditions:
Nephronophthisis. Also called: Juvenile Nephronophthisis. Identifiers: Orphanet 655, MedGen C0687120, MONDO:0019005, HP:0000090.
Senior-Loken syndrome 4 (SLSN4). Identifiers: Orphanet 3156, MedGen C1846979, MONDO:0011756, OMIM 606996.
Nephronophthisis 4 (NPHP4). Also called: NEPHRONOPHTHISIS 4, JUVENILE. Identifiers: Orphanet 655, MedGen C1847013, MONDO:0011752, OMIM 606966.

Submissions (2):

Fulgent Genetics
Classification: Uncertain significance for Nephronophthisis 4; Senior-Loken syndrome 4. Last evaluated: 2024-05-28. Review status: criteria provided, single submitter. Criteria: ACMG Guidelines, 2015. Collection method: clinical testing. Allele origin: germline.

Labcorp Genetics (formerly Invitae), Labcorp
Classification: Uncertain significance for Nephronophthisis. Last evaluated: 2022-08-22. Review status: criteria provided, single submitter. Criteria: Invitae Variant Classification Sherloc (09022015). Collection method: clinical testing. Allele origin: germline.
Comment: In summary, the available evidence is currently insufficient to determine the role of this variant in disease. Therefore, it has been classified as a Variant of Uncertain Significance. Experimental studies and prediction algorithms are not available or were not evaluated, and the functional significance of this variant is currently unknown. ClinVar contains an entry for this variant (Variation ID: 1038921). This variant has not been reported in the literature in individuals affected with NPHP4-related conditions. This variant is present in population databases (rs751681273, gnomAD 0.04%). This variant, c.2358_2360del, results in the deletion of 1 amino acid(s) of the NPHP4 protein (p.Val787del), but otherwise preserves the integrity of the reading frame.

NM_015102.5(NPHP4):c.2358_2360del (p.Val787del)

Gene: NPHP4 (nephrocystin 4; minus strand). Cytogenetic location: 1p36.31.
Variant type: Deletion.
Coding change: c.2358_2360del on transcript NM_015102.5 (MANE Select); coding-DNA positions 2358 to 2360, 3 bases deleted (CGT; older notation c.2358_2360delCGT).
Protein change: p.Val787del; deletes valine 787.
Molecular consequence: inframe deletion. On other transcripts: non-coding transcript variant (1).
Genome position (GRCh38, 1-based): chr1:5,887,411-5,887,413, ACG deleted on the plus strand (CGT on the coding strand, the reverse complement: NPHP4 is on the minus strand); deleting any 3 consecutive bases within chr1:5,887,411-5,887,415 gives the same sequence; the c. name uses the placement nearest the transcript's 3' end. VCF-style (leftmost placement, unchanged base first): chr1-5887410-CACG-C. GRCh37 (hg19) VCF-style: chr1-5947470-CACG-C.
Other names: c.819_821del, p.Val274del (NM_001291593.2); c.822_824del, p.Val275del (NM_001291594.2); short protein forms V275del, V787del, V274del.
Identifiers: ClinVar variation 1038921 (VCV001038921.6), dbSNP rs751681273, ClinGen allele CA554142.